The following is an entry in ClinVar:

NM_201525.4(ADGRG1):c.1287-6G>T

Gene: ADGRG1 (adhesion G protein-coupled receptor G1; plus strand). Cytogenetic location: 16q21.
Variant type: single nucleotide variant.
Coding change: c.1287-6G>T on transcript NM_201525.4 (MANE Select); 6 bases into the intron before coding-DNA position 1287, G replaced by T.
Molecular consequence: intron variant. On other transcripts: synonymous variant (10).
Genome position (GRCh38, 1-based): chr16:57,659,407, G>T. VCF-style: chr16-57659407-G-T. GRCh37 (hg19) VCF-style: chr16-57693319-G-T.
Other names: c.1299G>T, p.Pro433= (NM_001145771.3, NM_001370428.1, NM_001370429.1 and 4 more transcripts); c.789G>T, p.Pro263= (NM_001290142.2); c.774G>T, p.Pro258= (NM_001290143.2); c.1296G>T, p.Pro432= (NM_001370434.1); c.1287-6G>T (NM_001370440.1, NM_001370436.1, NM_001370438.1 and 7 more transcripts); c.762-6G>T (NM_001370451.1, NM_001370453.1, NM_001370454.1 and 1 more transcripts); c.1131-6G>T (NM_001370442.1); c.1302-6G>T (NM_001370433.1, NM_001145773.3); and 1 more.
Identifiers: ClinVar variation 1907045 (VCV001907045.5), dbSNP rs112805221, ClinGen allele CA495791295.

ClinVar aggregate classification (germline): Uncertain significance (1 of 4 stars; one submission).

Submission:

Labcorp Genetics (formerly Invitae), Labcorp
Classification: Uncertain significance. Last evaluated: 2022-08-20. Review status: criteria provided, single submitter. Criteria: Invitae Variant Classification Sherloc (09022015). Collection method: clinical testing. Allele origin: germline.
Comment: In summary, the available evidence is currently insufficient to determine the role of this variant in disease. Therefore, it has been classified as a Variant of Uncertain Significance. Algorithms developed to predict the effect of sequence changes on RNA splicing suggest that this variant may disrupt the consensus splice site. This variant has not been reported in the literature in individuals affected with ADGRG1-related conditions. This variant is not present in population databases (gnomAD no frequency). This sequence change affects codon 433 of the ADGRG1 mRNA. It is a 'silent' change, meaning that it does not change the encoded amino acid sequence of the ADGRG1 protein.